The following is an entry in ClinVar:

NC_000019.9:g.(?_39066549)_(39078060_?)del

Gene: RYR1 (ryanodine receptor 1; plus strand). Cytogenetic location: 19q13.2.
Variant type: Deletion.
Identifiers: ClinVar variation 1066816 (VCV001066816.7).

ClinVar aggregate classification (germline): Likely pathogenic (1 of 4 stars; one submission).

Conditions:
RYR1-related disorder. Also called: RYR1-related condition; RYR1-related disorders. Identifiers: MedGen CN239331.

Submission:

Labcorp Genetics (formerly Invitae), Labcorp
Classification: Likely pathogenic for RYR1-related disorder. Last evaluated: 2020-05-19. Review status: criteria provided, single submitter. Criteria: Invitae Variant Classification Sherloc (09022015). Collection method: clinical testing. Allele origin: germline.
Comment: In summary, the currently available evidence indicates that the variant is pathogenic, but additional data are needed to prove that conclusively. Therefore, this variant has been classified as Likely Pathogenic. This variant disrupts the p.Ala4846 and p.Gly4782 amino acid residues in RYR1. Other variant(s) that disrupt these residues have been determined to be pathogenic (PMID: 17226826, 30611313, 24950660, 26275793, 29096039, Invitae). This suggests that this residue is clinically significant, and that variants that disrupt this residue are likely to be disease-causing. This variant has not been reported in the literature in individuals with RYR1-related conditions. This variant is a gross deletion of the genomic region encompassing exon(s) 97-106 of the RYR1 gene. The 5' boundary is likely confined to intron 96. The 3' end of this event is unknown as it extends through the termination codon beyond the assayed region for this gene and may encompass additional genes. While this deletion is not anticipated to result in nonsense mediated decay, it is expected to create a truncated protein product or disrupt mRNA translation.

Literature cited by the submitters: PubMed 17226826; PubMed 30611313; PubMed 24950660; PubMed 26275793; PubMed 29096039.